The following is an entry in ClinVar:

ClinVar aggregate classification (germline): Uncertain significance (1 of 4 stars; one submission).

Conditions:
Inborn genetic diseases. Identifiers: MedGen C0950123, MeSH D030342.

gnomAD v4.1: 8 of 1,613,672 alleles (0.0005%); highest among the groups gnomAD compares: South Asian, 0.0066%; no homozygotes.

Submission:

Ambry Genetics
Classification: Uncertain significance for Inborn genetic diseases. Last evaluated: 2025-02-09. Review status: criteria provided, single submitter. Criteria: Ambry Variant Classification Scheme 2023. Collection method: clinical testing. Allele origin: germline.
Comment: The p.G1473D variant (also known as c.4418G>A), located in coding exon 30 of the ANKRD26 gene, results from a G to A substitution at nucleotide position 4418. The glycine at codon 1473 is replaced by aspartic acid, an amino acid with similar properties. This amino acid position is conserved. In addition, this alteration is predicted to be tolerated by in silico analysis. Based on the available evidence, the clinical significance of this variant remains unclear.

NM_014915.3(ANKRD26):c.4418G>A (p.Gly1473Asp)

Gene: ANKRD26 (ankyrin repeat domain containing 26; minus strand). Cytogenetic location: 10p12.1.
Variant type: single nucleotide variant.
Coding change: c.4418G>A on transcript NM_014915.3 (MANE Select); coding-DNA position 4418, G replaced by A.
Protein change: p.Gly1473Asp; replaces glycine 1473 with aspartic acid.
Molecular consequence: missense variant.
Genome position (GRCh38, 1-based): chr10:27,017,590, C>T on the plus strand (G>A on the coding strand, the complement: ANKRD26 is on the minus strand). VCF-style: chr10-27017590-C-T. GRCh37 (hg19) VCF-style: chr10-27306519-C-T.
Other names: c.4415G>A, p.Gly1472Asp (NM_001256053.2); short protein forms G1473D, G1472D.
Identifiers: ClinVar variation 3869097 (VCV003869097.1).